The following is an entry in ClinVar:

ClinVar aggregate classification (germline): Uncertain significance (1 of 4 stars; one submission).

Conditions:
Inborn genetic diseases. Identifiers: MedGen C0950123, MeSH D030342.

gnomAD v4.1: 2 of 1,613,974 alleles (0.00012%); highest among the groups gnomAD compares: South Asian, 0.0011%; no homozygotes.

Submission:

Ambry Genetics
Classification: Uncertain significance for Inborn genetic diseases. Last evaluated: 2026-04-30. Review status: criteria provided, single submitter. Criteria: Ambry Variant Classification Scheme 2023. Collection method: clinical testing. Allele origin: germline.
Comment: The p.V138L variant (also known as c.412G>T), located in coding exon 3 of the USB1 gene, results from a G to T substitution at nucleotide position 412. The valine at codon 138 is replaced by leucine, an amino acid with highly similar properties. This amino acid position is conserved. In addition, this alteration is predicted to be tolerated by in silico analysis. Based on the available evidence, the clinical significance of this variant remains unclear.

NM_024598.4(USB1):c.412G>T (p.Val138Leu)

Gene: USB1 (U6 snRNA biogenesis phosphodiesterase 1; plus strand). Cytogenetic location: 16q21.
Variant type: single nucleotide variant.
Coding change: c.412G>T on transcript NM_024598.4 (MANE Select); coding-DNA position 412, G replaced by T.
Protein change: p.Val138Leu; replaces valine 138 with leucine.
Molecular consequence: missense variant.
Genome position (GRCh38, 1-based): chr16:58,010,075, G>T. VCF-style: chr16-58010075-G-T. GRCh37 (hg19) VCF-style: chr16-58043979-G-T.
Other names: c.412G>T, p.Val138Leu (NM_001195302.2, NM_001204911.2, NM_001330569.2); c.259G>T, p.Val87Leu (NM_001330568.2); short protein forms V138L, V87L.
Identifiers: ClinVar variation 4866358 (VCV004866358.1).
Genomic context (GRCh38, chr16:58,010,075, plus strand): 5'-GTGTTCCACCTCAGCCTGTCCCAGAGTGTGGTTCTGCGCCACCACTGGATCCTCCCCTTC[G>T]TGCAGGCTCTGAAAGCCCGTATGACCTCCTTCCACAGGTGAGTGCTTCTTCCCTCTGCCT-3'
Protein context (NP_078874.2, residues 128-148): VLRHHWILPF[Val138Leu]QALKARMTSF